The following is an entry in ClinVar:

NM_004415.4(DSP):c.5094A>C (p.Glu1698Asp)

Gene: DSP (desmoplakin; plus strand). Cytogenetic location: 6p24.3.
Variant type: single nucleotide variant.
Coding change: c.5094A>C on transcript NM_004415.4 (MANE Select); coding-DNA position 5094, A replaced by C.
Protein change: p.Glu1698Asp; replaces glutamic acid 1698 with aspartic acid.
Molecular consequence: missense variant. On other transcripts: intron variant (2).
Genome position (GRCh38, 1-based): chr6:7,581,284, A>C. VCF-style: chr6-7581284-A-C. GRCh37 (hg19) VCF-style: chr6-7581517-A-C.
Other names: c.4050+1044A>C (NM_001319034.2); c.3583-1358A>C (NM_001008844.3); short protein forms E1698D.
Identifiers: ClinVar variation 920039 (VCV000920039.4), dbSNP rs1759431545, ClinGen allele CA362687839.
Genomic context (GRCh38, chr6:7,581,284, plus strand): 5'-TCACTTGAGGAATGAGCATTTCCAGAAGGCGATAGAAGATAAAAGCAGAAGCTTAAATGA[A>C]AGCAAAATAGAAATTGAGAGGCTGCAGTCTCTCACAGAGAACCTGACCAAGGAGCACTTG-3'
Protein context (NP_004406.2, residues 1688-1708): AIEDKSRSLN[Glu1698Asp]SKIEIERLQS

ClinVar aggregate classification (germline): Uncertain significance (1 of 4 stars; one submission).

Conditions:
Cardiomyopathy (CMYO). Also called: Cardiomyopathies. Identifiers: Orphanet 167848, MedGen C0878544, MONDO:0004994, HP:0001638. Inheritance: Various modes of inheritance.

Allele frequency attached by ClinVar (database versions not stated): gnomAD exomes below 0.00001.
gnomAD v4.1: 1 of 1,614,150 alleles (0.000062%); highest among the groups gnomAD compares: Non-Finnish European, 0.000085%; no homozygotes.

Submission:

Color Diagnostics, LLC DBA Color Health
Classification: Uncertain significance for Cardiomyopathy. Last evaluated: 2024-03-07. Review status: criteria provided, single submitter. Criteria: ACMG Guidelines, 2015. Collection method: clinical testing. Allele origin: germline.
Comment: This missense variant replaces glutamic acid with aspartic acid at codon 1698 of the DSP protein. Computational prediction suggests that this variant may not impact protein structure and function (internally defined REVEL score threshold <= 0.5, PMID: 27666373). To our knowledge, functional studies have not been reported for this variant. This variant has not been reported in individuals affected with cardiovascular disorders in the literature. This variant has not been identified in the general population by the Genome Aggregation Database (gnomAD). The available evidence is insufficient to determine the role of this variant in disease conclusively. Therefore, this variant is classified as a Variant of Uncertain Significance.